The following is an entry in ClinVar:

ClinVar aggregate classification (germline): Uncertain significance. Review status: criteria provided, multiple submitters, no conflicts (2 of 4 stars). 2 submissions from 2 submitters: Uncertain significance (2). Last evaluated 2021-08-26.

Conditions:
Dihydropteridine reductase deficiency (HPABH4C). Also called: DHPR DEFICIENCY; BH4-Deficient Hyperphenylalaninemia C; Phenylketonuria II; QDPR DEFICIENCY; QUINOID DIHYDROPTERIDINE REDUCTASE DEFICIENCY; HYPERPHENYLALANINEMIA, TETRAHYDROBIOPTERIN-DEFICIENT, DUE TO DHPR DEFICIENCY. Identifiers: Orphanet 226, Orphanet 238583, MedGen C0268465, MONDO:0009862, OMIM 261630.

Allele frequency attached by ClinVar (database versions not stated): gnomAD exomes 0.00003; TOPMed below 0.00001; gnomAD 0.00001.
gnomAD v4.1: 45 of 1,613,706 alleles (0.0028%); highest among the groups gnomAD compares: Non-Finnish European, 0.0038%; no homozygotes.

Submissions (2):

Labcorp Genetics (formerly Invitae), Labcorp
Classification: Uncertain significance for Dihydropteridine reductase deficiency. Last evaluated: 2021-08-26. Review status: criteria provided, single submitter. Criteria: Invitae Variant Classification Sherloc (09022015). Collection method: clinical testing. Allele origin: germline.
Comment: This sequence change replaces lysine with arginine at codon 96 of the QDPR protein (p.Lys96Arg). The lysine residue is highly conserved and there is a small physicochemical difference between lysine and arginine. This variant is not present in population databases (ExAC no frequency). This variant has not been reported in the literature in individuals affected with QDPR-related conditions. ClinVar contains an entry for this variant (Variation ID: 900897). Algorithms developed to predict the effect of missense changes on protein structure and function are either unavailable or do not agree on the potential impact of this missense change (SIFT: "Tolerated"; PolyPhen-2: "Possibly Damaging"; Align-GVGD: "Class C0"). In summary, the available evidence is currently insufficient to determine the role of this variant in disease. Therefore, it has been classified as a Variant of Uncertain Significance.

Illumina Laboratory Services, Illumina
Classification: Uncertain significance for Dihydropteridine reductase deficiency. Last evaluated: 2018-01-13. Review status: criteria provided, single submitter. Criteria: ICSL Variant Classification Criteria 13 December 2019. Collection method: clinical testing. Allele origin: germline.

NM_000320.3(QDPR):c.287A>G (p.Lys96Arg)

Gene: QDPR (quinoid dihydropteridine reductase; minus strand). Cytogenetic location: 4p15.32.
Variant type: single nucleotide variant.
Coding change: c.287A>G on transcript NM_000320.3 (MANE Select); coding-DNA position 287, A replaced by G.
Protein change: p.Lys96Arg; replaces lysine 96 with arginine.
Molecular consequence: missense variant. On other transcripts: non-coding transcript variant (1).
Genome position (GRCh38, 1-based): chr4:17,504,387, T>C on the plus strand (A>G on the coding strand, the complement: QDPR is on the minus strand). VCF-style: chr4-17504387-T-C. GRCh37 (hg19) VCF-style: chr4-17506010-T-C.
Other names: c.194A>G, p.Lys65Arg (NM_001306140.2); short protein forms K65R, K96R.
Identifiers: ClinVar variation 900897 (VCV000900897.8), dbSNP rs1371078094, ClinGen allele CA356450126.